The following is an entry in ClinVar:

ClinVar aggregate classification (germline): Uncertain significance. Review status: criteria provided, multiple submitters, no conflicts (2 of 4 stars). 3 submissions from 3 submitters: Uncertain significance (3). Last evaluated 2025-02-08.

Conditions:
Epidermolysis bullosa simplex 5C, with pyloric atresia (EBS5C). Also called: PLEC-Related Epidermolysis Bullosa with Pyloric Atresia; Epidermolysis bullosa simplex with pyloric atresia; PLEC1-Related Epidermolysis Bullosa with Pyloric Atresia. Identifiers: Orphanet 158684, MedGen C2677349, MONDO:0012807, OMIM 612138.
Autosomal recessive limb-girdle muscular dystrophy type 2Q (LGMDR17). Also called: MUSCULAR DYSTROPHY, LIMB-GIRDLE, AUTOSOMAL RECESSIVE 17. Identifiers: Orphanet 254361, MedGen C3150989, MONDO:0013390, OMIM 613723.
Epidermolysis bullosa simplex with nail dystrophy (EBS5D). Identifiers: MedGen C4225309, MONDO:0014661, OMIM 616487.
Epidermolysis bullosa simplex, Ogna type (EBS5A). Also called: EPIDERMOLYSIS BULLOSA SIMPLEX 5A, OGNA TYPE; Pidermolysis bullosa simplex 5A, Ogna type. Identifiers: Orphanet 79401, MedGen C0432317, MONDO:0007555, OMIM 131950.
Epidermolysis bullosa simplex 5B, with muscular dystrophy (EBS5B). Also called: EPIDERMOLYSIS BULLOSA SIMPLEX AND LIMB-GIRDLE MUSCULAR DYSTROPHY; Epidermolysis bullosa simplex with muscular dystrophy. Identifiers: Orphanet 257, MedGen C2931072, MONDO:0009181, OMIM 226670.
Inborn genetic diseases. Identifiers: MedGen C0950123, MeSH D030342.

Allele frequency attached by ClinVar (database versions not stated): gnomAD 0.00001 and 0.00002; TOPMed 0.00001; gnomAD exomes 0.00002 and 0.00004; ExAC 0.00007.
gnomAD v4.1: 31 of 1,604,340 alleles (0.0019%); highest among the groups gnomAD compares: South Asian, 0.016%; no homozygotes.

Submissions (3):

Ambry Genetics
Classification: Uncertain significance for Inborn genetic diseases. Last evaluated: 2025-02-08. Review status: criteria provided, single submitter. Criteria: Ambry Variant Classification Scheme 2023. Collection method: clinical testing. Allele origin: germline.

Labcorp Genetics (formerly Invitae), Labcorp
Classification: Uncertain significance for Autosomal recessive limb-girdle muscular dystrophy type 2Q; Epidermolysis bullosa simplex, Ogna type; Epidermolysis bullosa simplex with nail dystrophy; Epidermolysis bullosa simplex 5C, with pyloric atresia; Epidermolysis bullosa simplex 5B, with muscular dystrophy. Last evaluated: 2024-06-29. Review status: criteria provided, single submitter. Criteria: Invitae Variant Classification Sherloc (09022015). Collection method: clinical testing. Allele origin: germline.
Comment: This sequence change replaces glutamic acid, which is acidic and polar, with lysine, which is basic and polar, at codon 3400 of the PLEC protein (p.Glu3400Lys). This variant is present in population databases (rs782355184, gnomAD 0.02%). This variant has not been reported in the literature in individuals affected with PLEC-related conditions. ClinVar contains an entry for this variant (Variation ID: 1355273). Advanced modeling of protein sequence and biophysical properties (such as structural, functional, and spatial information, amino acid conservation, physicochemical variation, residue mobility, and thermodynamic stability) has been performed at Invitae for this missense variant, however the output from this modeling did not meet the statistical confidence thresholds required to predict the impact of this variant on PLEC protein function. In summary, the available evidence is currently insufficient to determine the role of this variant in disease. Therefore, it has been classified as a Variant of Uncertain Significance.

Blueprint Genetics
Classification: Uncertain significance. Last evaluated: 2023-07-25. Review status: criteria provided, single submitter. Criteria: ACMG Guidelines, 2015. Collection method: clinical testing. Allele origin: germline.

NM_201384.3(PLEC):c.10117G>A (p.Glu3373Lys)

Gene: PLEC (plectin; minus strand). Cytogenetic location: 8q24.3.
Variant type: single nucleotide variant.
Coding change: c.10117G>A on transcript NM_201384.3 (MANE Select); coding-DNA position 10117, G replaced by A.
Protein change: p.Glu3373Lys; replaces glutamic acid 3373 with lysine.
Molecular consequence: missense variant.
Genome position (GRCh38, 1-based): chr8:143,919,704, C>T on the plus strand (G>A on the coding strand, the complement: PLEC is on the minus strand). VCF-style: chr8-143919704-C-T. GRCh37 (hg19) VCF-style: chr8-144993872-C-T.
Other names: c.10198G>A, p.Glu3400Lys (NM_000445.5); c.10075G>A, p.Glu3359Lys (NM_201378.4); c.10051G>A, p.Glu3351Lys (NM_201379.3); c.10528G>A, p.Glu3510Lys (NM_201380.4); c.10021G>A, p.Glu3341Lys (NM_201381.3); c.10117G>A, p.Glu3373Lys (NM_201382.4); c.10129G>A, p.Glu3377Lys (NM_201383.3); c.10198G>A (NM_000445.3); short protein forms E3359K, E3351K, E3373K, E3341K, E3510K, E3377K, E3400K.
Identifiers: ClinVar variation 1355273 (VCV001355273.10), dbSNP rs782355184, ClinGen allele CA4924748.